The following is an entry in ClinVar:

NM_005751.5(AKAP9):c.8965A>G (p.Asn2989Asp)

Gene: AKAP9 (A-kinase anchoring protein 9; plus strand). Cytogenetic location: 7q21.2.
Variant type: single nucleotide variant.
Coding change: c.8965A>G on transcript NM_005751.5 (MANE Select); coding-DNA position 8965, A replaced by G.
Protein change: p.Asn2989Asp; replaces asparagine 2989 with aspartic acid.
Molecular consequence: missense variant.
Genome position (GRCh38, 1-based): chr7:92,085,627, A>G. VCF-style: chr7-92085627-A-G. GRCh37 (hg19) VCF-style: chr7-91714941-A-G.
Other names: c.3610A>G, p.Asn1204Asp (NM_001379277.1); c.8941A>G, p.Asn2981Asp (NM_147185.3); short protein forms N1204D, N2981D, N2989D.
Identifiers: ClinVar variation 2916961 (VCV002916961.5), dbSNP rs372172519, ClinGen allele CA4337623.

ClinVar aggregate classification (germline): Conflicting classifications of pathogenicity. Review status: criteria provided, conflicting classifications (1 of 4 stars). 2 submissions from 2 submitters: Uncertain significance (1); Likely benign (1). Last evaluated 2026-05-26.

Conditions:
Cardiovascular phenotype. Identifiers: MedGen CN230736.
Long QT syndrome (LQTS). Identifiers: MedGen C0023976, MeSH D008133, MONDO:0002442. Disease mechanism: loss of function. Inheritance: Various modes of inheritance.

Allele frequency attached by ClinVar (database versions not stated): gnomAD exomes 0.00001; TOPMed 0.00001; ExAC 0.00001; gnomAD 0.00001; ESP Exome Variant Server 0.00008.
gnomAD v4.1: 17 of 1,613,814 alleles (0.0011%); highest among the groups gnomAD compares: Non-Finnish European, 0.0014%; no homozygotes.

Submissions (2):

Ambry Genetics
Classification: Likely benign for Cardiovascular phenotype. Last evaluated: 2026-05-26. Review status: criteria provided, single submitter. Criteria: Ambry Variant Classification Scheme 2023. Collection method: clinical testing. Allele origin: germline.

Labcorp Genetics (formerly Invitae), Labcorp
Classification: Uncertain significance for Long QT syndrome. Last evaluated: 2024-09-10. Review status: criteria provided, single submitter. Criteria: Invitae Variant Classification Sherloc (09022015). Collection method: clinical testing. Allele origin: germline.
Comment: This sequence change replaces asparagine, which is neutral and polar, with aspartic acid, which is acidic and polar, at codon 2989 of the AKAP9 protein (p.Asn2989Asp). This variant is present in population databases (rs372172519, gnomAD 0.003%). This variant has not been reported in the literature in individuals affected with AKAP9-related conditions. An algorithm developed to predict the effect of missense changes on protein structure and function (PolyPhen-2) suggests that this variant is likely to be tolerated. In summary, the available evidence is currently insufficient to determine the role of this variant in disease. Therefore, it has been classified as a Variant of Uncertain Significance.